The following is an entry in ClinVar:

ClinVar aggregate classification (germline): Uncertain significance (1 of 4 stars; one submission).

Allele frequency attached by ClinVar (database versions not stated): gnomAD exomes below 0.00001.

Submission:

GeneDx
Classification: Uncertain significance. Last evaluated: 2019-09-11. Review status: criteria provided, single submitter. Criteria: GeneDx Variant Classification Process June 2021. Collection method: clinical testing. Allele origin: germline. Affected: yes.
Comment: Has not been previously published as pathogenic or benign to our knowledge; Not observed at a significant frequency in large population cohorts (Lek et al., 2016); In silico analysis, which includes protein predictors and evolutionary conservation, supports that this variant does not alter protein structure/function

NM_001852.4(COL9A2):c.1511G>A (p.Arg504Gln)

Gene: COL9A2 (collagen type IX alpha 2 chain; minus strand). Cytogenetic location: 1p34.2.
Variant type: single nucleotide variant.
Coding change: c.1511G>A on transcript NM_001852.4 (MANE Select); coding-DNA position 1511, G replaced by A.
Protein change: p.Arg504Gln; replaces arginine 504 with glutamine.
Molecular consequence: missense variant.
Genome position (GRCh38, 1-based): chr1:40,303,567, C>T on the plus strand (G>A on the coding strand, the complement: COL9A2 is on the minus strand). VCF-style: chr1-40303567-C-T. GRCh37 (hg19) VCF-style: chr1-40769239-C-T.
Other names: short protein forms R504Q.
Identifiers: ClinVar variation 1312164 (VCV001312164.2), dbSNP rs1446438792, ClinGen allele CA339878063.